The following is an entry in ClinVar:

NM_001375524.1(TRRAP):c.9113T>G (p.Ile3038Ser)

Gene: TRRAP (transformation/transcription domain associated protein; plus strand). Cytogenetic location: 7q22.1.
Variant type: single nucleotide variant.
Coding change: c.9113T>G on transcript NM_001375524.1 (MANE Select); coding-DNA position 9113, T replaced by G.
Protein change: p.Ile3038Ser; replaces isoleucine 3038 with serine.
Molecular consequence: missense variant.
Genome position (GRCh38, 1-based): chr7:98,984,183, T>G. VCF-style: chr7-98984183-T-G. GRCh37 (hg19) VCF-style: chr7-98581806-T-G.
Other names: c.9125T>G, p.Ile3042Ser (NM_001244580.2); c.9038T>G, p.Ile3013Ser (NM_003496.4); short protein forms I3013S, I3038S, I3042S.
Identifiers: ClinVar variation 1313484 (VCV001313484.2), dbSNP rs2116765517, ClinGen allele CA368315602.

ClinVar aggregate classification (germline): Uncertain significance (1 of 4 stars; one submission).

Submission:

GeneDx
Classification: Uncertain significance. Last evaluated: 2020-10-22. Review status: criteria provided, single submitter. Criteria: GeneDx Variant Classification Process June 2021. Collection method: clinical testing. Allele origin: germline. Affected: yes.
Comment: Not observed in large population cohorts (Lek et al., 2016); In silico analysis supports that this missense variant has a deleterious effect on protein structure/function; Has not been previously published as pathogenic or benign to our knowledge